The following is an entry in ClinVar:

ClinVar aggregate classification (germline): Uncertain significance (1 of 4 stars; one submission).

Conditions:
Hereditary hemorrhagic telangiectasia (HHT). Also called: ORW DISEASE; Osler Weber Rendu syndrome; OSLER-RENDU-WEBER DISEASE; Osler hemorrhagic telangiectasia syndrome. Identifiers: Orphanet 774, MedGen C0039445, MONDO:0019180. Disease mechanism: loss of function.

Allele frequency attached by ClinVar (database versions not stated): TOPMed 0.00002; gnomAD 0.00003; gnomAD exomes 0.00011.
gnomAD v4.1: 68 of 751,642 alleles (0.009%); highest among the groups gnomAD compares: South Asian, 0.11%; 1 homozygote.

Submission:

Labcorp Genetics (formerly Invitae), Labcorp
Classification: Uncertain significance for Hereditary hemorrhagic telangiectasia. Last evaluated: 2024-07-25. Review status: criteria provided, single submitter. Criteria: Invitae Variant Classification Sherloc (09022015). Collection method: clinical testing. Allele origin: germline.
Comment: This variant occurs in a non-coding region of the ENG gene. It does not change the encoded amino acid sequence of the ENG protein. This variant is not present in population databases (gnomAD no frequency). This variant has not been reported in the literature in individuals affected with ENG-related conditions. ClinVar contains an entry for this variant (Variation ID: 1991355). Experimental studies and prediction algorithms are not available or were not evaluated, and the functional significance of this variant is currently unknown. In summary, the available evidence is currently insufficient to determine the role of this variant in disease. Therefore, it has been classified as a Variant of Uncertain Significance.

NM_001114753.3(ENG):c.-154C>T

Gene: ENG (endoglin; minus strand). Cytogenetic location: 9q34.11.
Variant type: single nucleotide variant.
Coding change: c.-154C>T on transcript NM_001114753.3 (MANE Select); 154 bases upstream of the start codon, C replaced by T.
Molecular consequence: 5 prime UTR variant.
Genome position (GRCh38, 1-based): chr9:127,854,509, G>A on the plus strand (C>T on the coding strand, the complement: ENG is on the minus strand). VCF-style: chr9-127854509-G-A. GRCh37 (hg19) VCF-style: chr9-130616788-G-A.
Other names: c.-154C>T (NM_000118.4, NM_001406715.1).
Identifiers: ClinVar variation 1991355 (VCV001991355.3), dbSNP rs1295680918, ClinGen allele CA860212215.